The following is an entry in ClinVar:

NM_000348.4(SRD5A2):c.537G>T (p.Arg179Ser)

Gene: SRD5A2 (steroid 5 alpha-reductase 2; minus strand). Cytogenetic location: 2p23.1.
Variant type: single nucleotide variant.
Coding change: c.537G>T on transcript NM_000348.4 (MANE Select); coding-DNA position 537, G replaced by T.
Protein change: p.Arg179Ser; replaces arginine 179 with serine.
Molecular consequence: missense variant.
Genome position (GRCh38, 1-based): chr2:31,531,381, C>A on the plus strand (G>T on the coding strand, the complement: SRD5A2 is on the minus strand). VCF-style: chr2-31531381-C-A. GRCh37 (hg19) VCF-style: chr2-31756451-C-A.
Other names: short protein forms R179S.
Identifiers: ClinVar variation 1418189 (VCV001418189.3), dbSNP rs767928056, ClinGen allele CA1599915.

ClinVar aggregate classification (germline): Uncertain significance (1 of 4 stars; one submission).

Conditions:
3-Oxo-5 alpha-steroid delta 4-dehydrogenase deficiency (PPSH). Also called: PSEUDOVAGINAL PERINEOSCROTAL HYPOSPADIAS; MALE PSEUDOHERMAPHRODITISM DUE TO 5-ALPHA-REDUCTASE DEFICIENCY; FAMILIAL INCOMPLETE MALE PSEUDOHERMAPHRODITISM, TYPE 2; 46,XY disorder of sex development due to 5-alpha-reductase 2 deficiency. Identifiers: Orphanet 753, MedGen C0268297, MONDO:0009923, OMIM 264600. Disease mechanism: loss of function.

Allele frequency attached by ClinVar (database versions not stated): gnomAD exomes 0.00001 and 0.00008; TOPMed 0.00003; gnomAD 0.00004 and 0.00005; ExAC 0.00006.
gnomAD v4.1: 127 of 1,582,778 alleles (0.008%); highest among the groups gnomAD compares: Middle Eastern, 0.17%; 1 homozygote.

Submission:

Labcorp Genetics (formerly Invitae), Labcorp
Classification: Uncertain significance for 3-Oxo-5 alpha-steroid delta 4-dehydrogenase deficiency. Last evaluated: 2022-05-14. Review status: criteria provided, single submitter. Criteria: Invitae Variant Classification Sherloc (09022015). Collection method: clinical testing. Allele origin: germline.
Comment: This sequence change replaces arginine, which is basic and polar, with serine, which is neutral and polar, at codon 179 of the SRD5A2 protein (p.Arg179Ser). The frequency data for this variant in the population databases is considered unreliable, as metrics indicate poor data quality at this position in the gnomAD database. This variant has not been reported in the literature in individuals affected with SRD5A2-related conditions. Experimental studies and prediction algorithms are not available or were not evaluated, and the functional significance of this variant is currently unknown. In summary, the available evidence is currently insufficient to determine the role of this variant in disease. Therefore, it has been classified as a Variant of Uncertain Significance.